The following is an entry in ClinVar:

ClinVar aggregate classification (germline): Uncertain significance. Review status: criteria provided, multiple submitters, no conflicts (2 of 4 stars). 2 submissions from 2 submitters: Uncertain significance (2). Last evaluated 2025-01-26.

Conditions:
Autosomal dominant limb-girdle muscular dystrophy type 1F (LGMDD2). Also called: Limb-girdle muscular dystrophy, type 1F; MUSCULAR DYSTROPHY, LIMB-GIRDLE, AUTOSOMAL DOMINANT 2. Identifiers: Orphanet 55595, MedGen C1842062, MONDO:0012034, OMIM 608423.

Allele frequency attached by ClinVar (database versions not stated): gnomAD exomes 0.00001; TOPMed 0.00001; gnomAD 0.00002.
gnomAD v4.1: 11 of 1,613,908 alleles (0.00068%); highest among the groups gnomAD compares: Non-Finnish European, 0.00093%; no homozygotes.

Submissions (2):

Labcorp Genetics (formerly Invitae), Labcorp
Classification: Uncertain significance for Autosomal dominant limb-girdle muscular dystrophy type 1F. Last evaluated: 2025-01-26. Review status: criteria provided, single submitter. Criteria: Invitae Variant Classification Sherloc (09022015). Collection method: clinical testing. Allele origin: germline.
Comment: This sequence change replaces serine, which is neutral and polar, with glycine, which is neutral and non-polar, at codon 835 of the TNPO3 protein (p.Ser835Gly). This variant is present in population databases (no rsID available, gnomAD 0.0009%). This variant has not been reported in the literature in individuals affected with TNPO3-related conditions. ClinVar contains an entry for this variant (Variation ID: 2915269). Invitae Evidence Modeling of protein sequence and biophysical properties (such as structural, functional, and spatial information, amino acid conservation, physicochemical variation, residue mobility, and thermodynamic stability) indicates that this missense variant is not expected to disrupt TNPO3 protein function with a negative predictive value of 80%. In summary, the available evidence is currently insufficient to determine the role of this variant in disease. Therefore, it has been classified as a Variant of Uncertain Significance.

Revvity Omics, Revvity
Classification: Uncertain significance for Autosomal dominant limb-girdle muscular dystrophy type 1F. Last evaluated: 2024-03-05. Review status: criteria provided, single submitter. Criteria: ACMG Guidelines, 2015. Collection method: clinical testing. Allele origin: germline.

NM_012470.4(TNPO3):c.2503A>G (p.Ser835Gly)

Gene: TNPO3 (transportin 3; minus strand). Cytogenetic location: 7q32.1.
Variant type: single nucleotide variant.
Coding change: c.2503A>G on transcript NM_012470.4 (MANE Select); coding-DNA position 2503, A replaced by G.
Protein change: p.Ser835Gly; replaces serine 835 with glycine.
Molecular consequence: missense variant. On other transcripts: non-coding transcript variant (18).
Genome position (GRCh38, 1-based): chr7:128,970,243, T>C on the plus strand (A>G on the coding strand, the complement: TNPO3 is on the minus strand). VCF-style: chr7-128970243-T-C. GRCh37 (hg19) VCF-style: chr7-128610297-T-C.
Other names: c.2584A>G, p.Ser862Gly (NM_001382217.1); c.2503A>G, p.Ser835Gly (NM_001382218.1); c.2395A>G, p.Ser799Gly (NM_001382219.1); c.2362A>G, p.Ser788Gly (NM_001382220.1); c.2359A>G, p.Ser787Gly (NM_001382221.1); c.2356A>G, p.Ser786Gly (NM_001382222.1); c.2311A>G, p.Ser771Gly (NM_001382223.1, NM_001191028.3); c.2605A>G, p.Ser869Gly (NM_001382216.1); and 1 more; short protein forms S799G, S771G, S835G, S862G, S787G, S788G, S786G, S869G.
Identifiers: ClinVar variation 2915269 (VCV002915269.4), dbSNP rs1295494267, ClinGen allele CA369252054.
Genomic context (GRCh38, chr7:128,970,243, plus strand): 5'-CAGCCACATCTGGTAGGGTATAGGGGGGGAGGCAAAAGCAGCAGGTGTGCAGCAGCTGGC[T>C]GACAAGCTGCTGTCCAAGCTGGTTCATCACCTGTCCAATCAGTTCTTTCCGTAATTCAAA-3'
Protein context (NP_036602.1, residues 825-845): VMNQLGQQLV[Ser835Gly]QLLHTCCFCL